The following is an entry in ClinVar:

ClinVar aggregate classification (germline): Uncertain significance. Review status: criteria provided, multiple submitters, no conflicts (2 of 4 stars). 7 submissions from 7 submitters: Uncertain significance (7). Last evaluated 2025-04-15.

Conditions:
Familial hypokalemia-hypomagnesemia (GTLMNS). Also called: gitelman syndrome; HYPOMAGNESEMIA-HYPOKALEMIA, PRIMARY RENOTUBULAR, WITH HYPOCALCIURIA; POTASSIUM AND MAGNESIUM DEPLETION. Identifiers: Orphanet 358, MedGen C0268450, MONDO:0009904, OMIM 263800.
Inborn genetic diseases. Identifiers: MedGen C0950123, MeSH D030342.

Allele frequency attached by ClinVar (database versions not stated): ExAC 0.00012; gnomAD exomes 0.00012 and 0.00019; gnomAD 0.00028 and 0.00031; 1000 Genomes Project 30x 0.00016; 1000 Genomes Project 0.00020; TOPMed 0.00034.
gnomAD v4.1: 222 of 1,613,764 alleles (0.014%); highest among the groups gnomAD compares: Admixed American, 0.12%; no homozygotes.

Submissions (7):

GeneDx
Classification: Uncertain significance. Last evaluated: 2025-04-15. Review status: criteria provided, single submitter. Criteria: GeneDx Variant Classification Process June 2021. Collection method: clinical testing. Allele origin: germline.
Comment: Reported in the heterozygous state in a patient with suspected Gitelman syndrome in published literature (PMID: 36302598); In silico analysis supports that this missense variant has a deleterious effect on protein structure/function; This variant is associated with the following publications: (PMID: 36302598)

Labcorp Genetics (formerly Invitae), Labcorp
Classification: Uncertain significance. Last evaluated: 2024-04-17. Review status: criteria provided, single submitter. Criteria: Invitae Variant Classification Sherloc (09022015). Collection method: clinical testing. Allele origin: germline.
Comment: This sequence change replaces alanine, which is neutral and non-polar, with threonine, which is neutral and polar, at codon 550 of the SLC12A3 protein (p.Ala550Thr). This variant is present in population databases (rs563131364, gnomAD 0.1%). This variant has not been reported in the literature in individuals affected with SLC12A3-related conditions. ClinVar contains an entry for this variant (Variation ID: 1684161). Advanced modeling of protein sequence and biophysical properties (such as structural, functional, and spatial information, amino acid conservation, physicochemical variation, residue mobility, and thermodynamic stability) performed at Invitae indicates that this missense variant is expected to disrupt SLC12A3 protein function with a positive predictive value of 95%. In summary, the available evidence is currently insufficient to determine the role of this variant in disease. Therefore, it has been classified as a Variant of Uncertain Significance.

Fulgent Genetics
Classification: Uncertain significance for Familial hypokalemia-hypomagnesemia. Last evaluated: 2024-04-11. Review status: criteria provided, single submitter. Criteria: ACMG Guidelines, 2015. Collection method: clinical testing. Allele origin: germline.

European Hospital Georges Pompidou Genetics Department, Assistance Publique - Hôpitaux de Paris AP-HP
Classification: Uncertain significance for Familial hypokalemia-hypomagnesemia. Last evaluated: 2022-04-27. Review status: criteria provided, single submitter. Criteria: ACMG Guidelines, 2015. Collection method: clinical testing. Allele origin: germline. Affected: yes.
Comment: ACMG criteria used:PM1 PM2 PP3

Ambry Genetics
Classification: Uncertain significance for Inborn genetic diseases. Last evaluated: 2022-04-25. Review status: criteria provided, single submitter. Criteria: Ambry Variant Classification Scheme 2023. Collection method: clinical testing. Allele origin: germline.

Revvity Omics, Revvity
Classification: Uncertain significance for Familial hypokalemia-hypomagnesemia. Last evaluated: 2019-05-23. Review status: criteria provided, single submitter. Criteria: ACMG Guidelines, 2015. Collection method: clinical testing. Allele origin: germline.

Breakthrough Genomics
Classification: Uncertain significance. Review status: criteria provided, single submitter. Criteria: ACMG Guidelines, 2015. Collection method: not provided. Allele origin: germline. Inheritance: Autosomal recessive inheritance. Affected: yes.

NM_001126108.2(SLC12A3):c.1648G>A (p.Ala550Thr)

Gene: SLC12A3 (solute carrier family 12 member 3; plus strand). Cytogenetic location: 16q13.
Variant type: single nucleotide variant.
Coding change: c.1648G>A on transcript NM_001126108.2 (MANE Select); coding-DNA position 1648, G replaced by A.
Protein change: p.Ala550Thr; replaces alanine 550 with threonine.
Molecular consequence: missense variant.
Genome position (GRCh38, 1-based): chr16:56,882,476, G>A. VCF-style: chr16-56882476-G-A. GRCh37 (hg19) VCF-style: chr16-56916388-G-A.
Other names: c.1648G>A, p.Ala550Thr (NM_000339.3); c.1645G>A, p.Ala549Thr (NM_001126107.2); short protein forms A549T, A550T.
Identifiers: ClinVar variation 1684161 (VCV001684161.13), dbSNP rs563131364, ClinGen allele CA8069552.